The following is an entry in ClinVar:

NM_004369.4(COL6A3):c.2261A>G (p.Gln754Arg)

Gene: COL6A3 (collagen type VI alpha 3 chain; minus strand). Cytogenetic location: 2q37.3.
Variant type: single nucleotide variant.
Coding change: c.2261A>G on transcript NM_004369.4 (MANE Select); coding-DNA position 2261, A replaced by G.
Protein change: p.Gln754Arg; replaces glutamine 754 with arginine.
Molecular consequence: missense variant. On other transcripts: intron variant (1).
Genome position (GRCh38, 1-based): chr2:237,378,872, T>C on the plus strand (A>G on the coding strand, the complement: COL6A3 is on the minus strand). VCF-style: chr2-237378872-T-C. GRCh37 (hg19) VCF-style: chr2-238287515-T-C.
Other names: c.1040A>G, p.Gln347Arg (NM_057164.5); c.1643A>G, p.Gln548Arg (NM_057165.5, NM_057167.4); c.677-1528A>G (NM_057166.5); short protein forms Q754R, Q347R, Q548R.
Identifiers: ClinVar variation 282673 (VCV000282673.12), dbSNP rs762752112, ClinGen allele CA2189440.
Genomic context (GRCh38, chr2:237,378,872, plus strand): 5'-AAAGTCAGGATGCCCGCGCGTGTCAAGGCGTTGGCAGCTTGCAAATAGGAGTCCTCAGAC[T>C]GCCCAGCTGTGAGCAGAAGCAGGAGCTGCGGCACGTGTTCACGGATCCTGCTGCCGCCAG-3'
Protein context (NP_004360.2, residues 744-764): PQLLLLLTAG[Gln754Arg]SEDSYLQAAN

ClinVar aggregate classification (germline): Conflicting classifications of pathogenicity. Review status: criteria provided, conflicting classifications (1 of 4 stars). 3 submissions from 3 submitters: Uncertain significance (1); Likely benign (2). Last evaluated 2023-11-19.

Conditions:
Collagen 6-related myopathy. Identifiers: MedGen CN117976, MONDO:0100225.
Bethlem myopathy 1A. Also called: Bethlem myopathy 1; MYOPATHY, BENIGN CONGENITAL, WITH CONTRACTURES; Bethlem Muscular Dystrophy. Identifiers: Orphanet 610, MedGen CN029274, MONDO:0024530, OMIM 158810.

Allele frequency attached by ClinVar (database versions not stated): gnomAD 0.00001; gnomAD exomes 0.00001; TOPMed 0.00001; ExAC 0.00002.
gnomAD v4.1: 14 of 1,614,126 alleles (0.00087%); highest among the groups gnomAD compares: Non-Finnish European, 0.00034%; no homozygotes.

Submissions (3):

Labcorp Genetics (formerly Invitae), Labcorp
Classification: Likely benign for Bethlem myopathy 1A. Last evaluated: 2023-11-19. Review status: criteria provided, single submitter. Criteria: Invitae Variant Classification Sherloc (09022015). Collection method: clinical testing. Allele origin: germline.

Illumina Laboratory Services, Illumina
Classification: Likely benign for Collagen VI-related myopathy. Last evaluated: 2018-01-12. Review status: criteria provided, single submitter. Criteria: ICSL Variant Classification Criteria 13 December 2019. Collection method: clinical testing. Allele origin: germline.
Comment: This variant was observed in the ICSL laboratory as part of a predisposition screen in an ostensibly healthy population. It had not been previously curated by ICSL or reported in the Human Gene Mutation Database (HGMD: prior to June 1st, 2018), and was therefore a candidate for classification through an automated scoring system. Utilizing variant allele frequency, disease prevalence and penetrance estimates, and inheritance mode, an automated score was calculated to assess if this variant is too frequent to cause the disease. Based on the score and internal cut-off values, a variant classified as likely benign is not then subjected to further curation. The score for this variant resulted in a classification of likely benign for this disease.

Eurofins Ntd Llc (ga)
Classification: Uncertain significance. Last evaluated: 2015-08-19. Review status: criteria provided, single submitter. Criteria: EGL Classification Definitions 2015. Collection method: clinical testing. Allele origin: germline. Observed: 1 variant allele, 1 heterozygote.